The following is an entry in ClinVar:

NM_001540.5(HSPB1):c.80G>C (p.Arg27Pro)

Gene: HSPB1 (heat shock protein family B (small) member 1; plus strand). Cytogenetic location: 7q11.23.
Variant type: single nucleotide variant.
Coding change: c.80G>C on transcript NM_001540.5 (MANE Select); coding-DNA position 80, G replaced by C.
Protein change: p.Arg27Pro; replaces arginine 27 with proline.
Molecular consequence: missense variant.
Genome position (GRCh38, 1-based): chr7:76,302,792, G>C. VCF-style: chr7-76302792-G-C. GRCh37 (hg19) VCF-style: chr7-75932109-G-C.
Other names: c.80G>C (LRG_248t1); short protein forms R27P.
Identifiers: ClinVar variation 245625 (VCV000245625.67), dbSNP rs367662394, ClinGen allele CA4306247.

ClinVar aggregate classification (germline): Conflicting classifications of pathogenicity. Review status: criteria provided, conflicting classifications (1 of 4 stars). 9 submissions from 9 submitters: Uncertain significance (4); Likely benign (5). Last evaluated 2026-04-01.

Conditions:
HSPB1-related disorder. Also called: HSPB1-related disorders; HSPB1-related condition.
Inborn genetic diseases. Identifiers: MedGen C0950123, MeSH D030342.
Charcot-Marie-Tooth disease. Also called: Charcot-Marie-Tooth Neuropathy; Charcot-Marie-Tooth Hereditary Neuropathy. Identifiers: Orphanet 166, MedGen C0007959, MONDO:0015626.
Charcot-Marie-Tooth disease axonal type 2F (CMT2F). Also called: CHARCOT-MARIE-TOOTH DISEASE, NEURONAL, TYPE 2F; Charcot-Marie-Tooth Neuropathy Type 2F. Identifiers: Orphanet 99940, MedGen C1847823, MONDO:0011687, OMIM 606595.

Allele frequency attached by ClinVar (database versions not stated): 1000 Genomes Project 30x 0.00016; ESP Exome Variant Server 0.00017; gnomAD 0.00019; 1000 Genomes Project 0.00020; TOPMed 0.00026.
gnomAD v4.1: 485 of 1,608,564 alleles (0.03%); highest among the groups gnomAD compares: South Asian, 0.037%; no homozygotes.

Submissions (9):

CeGaT Center for Human Genetics Tuebingen
Classification: Likely benign. Last evaluated: 2026-04-01. Review status: criteria provided, single submitter. Criteria: CeGaT Center For Human Genetics Tuebingen Variant Classification Criteria Version 2. Collection method: clinical testing. Allele origin: germline. Affected: yes. Observed: 2 variant alleles.
Comment: HSPB1: PP3, BS2

Labcorp Genetics (formerly Invitae), Labcorp
Classification: Likely benign for Charcot-Marie-Tooth disease axonal type 2F. Last evaluated: 2026-01-20. Review status: criteria provided, single submitter. Criteria: Invitae Variant Classification Sherloc (09022015). Collection method: clinical testing. Allele origin: germline.

PreventionGenetics, part of Exact Sciences
Classification: Likely benign for HSPB1-related condition. Last evaluated: 2025-03-18. Review status: criteria provided, single submitter. Criteria: ACMG Guidelines, 2015. Collection method: clinical testing. Allele origin: germline.
Comment: This variant is classified as likely benign based on ACMG/AMP sequence variant interpretation guidelines (Richards et al. 2015 PMID: 25741868, with internal and published modifications).

Women's Health and Genetics/Laboratory Corporation of America, LabCorp
Classification: Uncertain significance. Last evaluated: 2024-09-19. Review status: criteria provided, single submitter. Criteria: LabCorp Variant Classification Summary - May 2015. Collection method: clinical testing. Allele origin: germline.
Comment: Variant summary: HSPB1 c.80G>C (p.Arg27Pro) results in a non-conservative amino acid change in the encoded protein sequence. Five of five in-silico tools predict a damaging effect of the variant on protein function. The variant allele was found at a frequency of 0.00021 in 235340 control chromosomes, predominantly at a frequency of 0.00056 within the South Asian subpopulation in the gnomAD database. This frequency is not significantly higher than estimated for a pathogenic variant in HSPB1 causing Charcot-Marie Disease Axonal Type 2F, allowing no conclusion about variant significance. c.80G>C has been reported in the literature in individuals affected with Charcot-Marie Disease and congenital heart defects, without strong evidence for causality (Russell_2019, Volodarsky_2021). These report(s) do not provide unequivocal conclusions about association of the variant with Charcot-Marie Disease Axonal Type 2F. To our knowledge, no experimental evidence demonstrating an impact on protein function has been reported. The following publications have been ascertained in the context of this evaluation (PMID: 31453292, 32376792). ClinVar contains an entry for this variant (Variation ID: 245625). Based on the evidence outlined above, the variant was classified as uncertain significance.

Ambry Genetics
Classification: Likely benign for Inborn genetic diseases. Last evaluated: 2021-07-26. Review status: criteria provided, single submitter. Criteria: Ambry Variant Classification Scheme 2023. Collection method: clinical testing. Allele origin: germline.

Athena Diagnostics
Classification: Likely benign. Last evaluated: 2019-01-04. Review status: criteria provided, single submitter. Criteria: Athena Diagnostics Criteria. Collection method: clinical testing. Allele origin: germline.

ARUP Laboratories, Molecular Genetics and Genomics, ARUP Laboratories
Classification: Uncertain significance. Last evaluated: 2018-03-09. Review status: criteria provided, single submitter. Criteria: ARUP Molecular Germline Variant Investigation Process. Collection method: clinical testing. Allele origin: germline.
Comment: The p.Arg27Pro variant (rs367662394) variant was reported in one patient in a CMT cohort referred to for genetic testing (DiVincenzo 2014). This variant is listed in the Genome Aggregation Database (gnomAD) with a frequency of 0.06 percent in the South Asian population (identified on 17 out of 30,440 chromosomes). The arginine at position 27 is highly conserved up to fruitfly considering 12 species and computational analyses of the p.Arg27Pro variant on protein structure and function indicate a deleterious effect (SIFT: damaging, PolyPhen-2:possibly damaging). Altogether, there is not enough evidence to classify the p.Arg27Pro variant with certainty.

GeneDx
Classification: Uncertain significance. Last evaluated: 2017-06-22. Review status: criteria provided, single submitter. Criteria: GeneDx Variant Classification (06012015). Collection method: clinical testing. Allele origin: germline. Affected: yes.
Comment: The R27P variant has not been published as a pathogenic variant, nor has it been reported as a benign variant to our knowledge. It was not observed with any significant frequency in approximately 6,000 individuals of European and African American ancestry in the NHLBI Exome Sequencing Project, nor with any significant frequency in the 1000 Genomes Project. The R27P variant is a non-conservative amino acid substitution, which is likely to impact secondary protein structure as these residues differ in polarity, charge, size and/or other properties. This substitution occurs at a position that is conserved across species, and in silico analysis predicts this variant is probably damaging to the protein structure/function. Based on the currently available information, it is unclear whether this variant is a pathogenic variant or a rare benign variant

Molecular Genetics Laboratory, London Health Sciences Centre
Classification: Uncertain significance for Charcot-Marie-Tooth disease. Review status: criteria provided, single submitter. Criteria: ACMG Guidelines, 2015. Collection method: clinical testing. Allele origin: germline. Affected: yes.

Literature cited by the submitters: PubMed 32376792 (cited by Women's Health and Genetics/Laboratory Corporation of America, LabCorp); PubMed 31453292 (cited by Women's Health and Genetics/Laboratory Corporation of America, LabCorp); PubMed 28106320 (cited by Ambry Genetics); PubMed 28518168 (cited by Ambry Genetics); PubMed 32461654 (cited by Ambry Genetics).